The following is an entry in ClinVar:

ClinVar aggregate classification (germline): Benign. Review status: criteria provided, multiple submitters, no conflicts (2 of 4 stars). 4 submissions from 3 submitters: Benign (4). Last evaluated 2021-05-13.

Conditions:
Retinitis pigmentosa (RP). Identifiers: Orphanet 791, MedGen C0035334, MeSH D012174, MONDO:0019200, OMIM 268000. Inheritance: Autosomal dominant, autosomal recessive and X linked inheritance.
Congenital stationary night blindness autosomal dominant 2. Also called: NIGHT BLINDNESS, CONGENITAL STATIONARY, RAMBUSCH TYPE. Identifiers: Orphanet 215, MedGen C1876182, MONDO:0008099, OMIM 163500.

Allele frequency attached by ClinVar (database versions not stated): gnomAD 0.02743; 1000 Genomes Project 0.03175; 1000 Genomes Project 30x 0.03248.
gnomAD v4.1: 5,645 of 748,264 alleles (0.75%); highest among the groups gnomAD compares: African/African-American, 9.6%; 256 homozygotes.

Submissions (4):

GeneDx
Classification: Benign. Last evaluated: 2021-05-13. Review status: criteria provided, single submitter. Criteria: GeneDx Variant Classification Process June 2021. Collection method: clinical testing. Allele origin: germline. Affected: yes.

Illumina Laboratory Services, Illumina
Classification: Benign for Retinitis pigmentosa. Last evaluated: 2018-01-13. Review status: criteria provided, single submitter. Criteria: ICSL Variant Classification Criteria 13 December 2019. Collection method: clinical testing. Allele origin: germline.
Comment: This variant was observed in the ICSL laboratory as part of a predisposition screen in an ostensibly healthy population. It had not been previously curated by ICSL or reported in the Human Gene Mutation Database (HGMD: prior to June 1st, 2018), and was therefore a candidate for classification through an automated scoring system. Utilizing variant allele frequency, disease prevalence and penetrance estimates, and inheritance mode, an automated score was calculated to assess if this variant is too frequent to cause the disease. Based on the score and internal cut-off values, a variant classified as benign is not then subjected to further curation. The score for this variant resulted in a classification of benign for this disease.

Illumina Laboratory Services, Illumina
Classification: Benign for Congenital stationary night blindness autosomal dominant 2. Last evaluated: 2018-01-13. Review status: criteria provided, single submitter. Criteria: ICSL Variant Classification Criteria 13 December 2019. Collection method: clinical testing. Allele origin: germline.
Comment: the same text as in the submission from Illumina Laboratory Services, Illumina above.

Breakthrough Genomics
Classification: Benign. Review status: criteria provided, single submitter. Criteria: ACMG Guidelines, 2015. Collection method: not provided. Allele origin: germline. Inheritance: Autosomal recessive inheritance. Affected: yes.

NM_000283.4(PDE6B):c.*191C>A

Gene: PDE6B (phosphodiesterase 6B; plus strand). Cytogenetic location: 4p16.3.
Variant type: single nucleotide variant.
Coding change: c.*191C>A on transcript NM_000283.4 (MANE Select); 191 bases downstream of the stop codon, C replaced by A.
Molecular consequence: 3 prime UTR variant.
Genome position (GRCh38, 1-based): chr4:670,298, C>A. VCF-style: chr4-670298-C-A. GRCh37 (hg19) VCF-style: chr4-664087-C-A.
Other names: c.*191C>A (NM_001145291.2, NM_001145292.2, NM_001379246.1 and 1 more transcripts); c.*84C>A (NM_001350154.3, NM_001350155.3).
Identifiers: ClinVar variation 349405 (VCV000349405.7), dbSNP rs111449765, ClinGen allele CA10621496.